The following is an entry in ClinVar:

ClinVar aggregate classification (germline): Conflicting classifications of pathogenicity. Review status: criteria provided, conflicting classifications (1 of 4 stars). 3 submissions from 3 submitters: Uncertain significance (1); Likely benign (2). Last evaluated 2025-09-17.

Conditions:
Cardiovascular phenotype. Identifiers: MedGen CN230736.
Dilated cardiomyopathy 1II (CMD1II). Identifiers: Orphanet 154, MedGen C3554649, MONDO:0014073, OMIM 615184.

Allele frequency attached by ClinVar (database versions not stated): gnomAD exomes below 0.00001.
gnomAD v4.1: 4 of 1,610,176 alleles (0.00025%); highest among the groups gnomAD compares: Middle Eastern, 0.05%; no homozygotes.

Submissions (3):

Labcorp Genetics (formerly Invitae), Labcorp
Classification: Likely benign for Dilated cardiomyopathy 1II. Last evaluated: 2025-09-17. Review status: criteria provided, single submitter. Criteria: Invitae Variant Classification Sherloc (09022015). Collection method: clinical testing. Allele origin: germline.

GeneDx
Classification: Uncertain significance. Last evaluated: 2025-08-15. Review status: criteria provided, single submitter. Criteria: GeneDx Variant Classification Process June 2021. Collection method: clinical testing. Allele origin: germline. Affected: yes.
Comment: Not observed at significant frequency in large population cohorts (gnomAD); In silico analysis suggests that this variant does not alter splicing; Has not been previously published as pathogenic or benign to our knowledge

Ambry Genetics
Classification: Likely benign for Cardiovascular phenotype. Last evaluated: 2023-12-11. Review status: criteria provided, single submitter. Criteria: Ambry Variant Classification Scheme 2023. Collection method: clinical testing. Allele origin: germline.

NM_001289808.2(CRYAB):c.69C>G (p.Leu23=)

Gene: CRYAB (crystallin alpha B; minus strand). Cytogenetic location: 11q23.1.
Variant type: single nucleotide variant.
Coding change: c.69C>G on transcript NM_001289808.2 (MANE Select); coding-DNA position 69, C replaced by G.
Protein change: p.Leu23=; no amino-acid change (leucine 23 retained).
Molecular consequence: synonymous variant.
Genome position (GRCh38, 1-based): chr11:111,911,656, G>C on the plus strand (C>G on the coding strand, the complement: CRYAB is on the minus strand). VCF-style: chr11-111911656-G-C. GRCh37 (hg19) VCF-style: chr11-111782380-G-C.
Other names: c.69C>G, p.Leu23= (NM_001289807.1, NM_001368245.1, NM_001885.3).
Identifiers: ClinVar variation 3221864 (VCV003221864.3), dbSNP rs1965462205, ClinGen allele CA476783405.